The following is an entry in ClinVar:

ClinVar aggregate classification (germline): Uncertain significance. Review status: criteria provided, multiple submitters, no conflicts (2 of 4 stars). 2 submissions from 2 submitters: Uncertain significance (2). Last evaluated 2023-12-29.

Conditions:
Noonan syndrome 10 (NS10). Identifiers: Orphanet 648, MedGen C4225280, MONDO:0014693, OMIM 616564.
LZTR1-related schwannomatosis. Also called: Schwannomatosis 2; Schwannomatosis-2, susceptibility to. Identifiers: Orphanet 93921, MedGen C3810283, MONDO:0014299, OMIM 615670.
Noonan syndrome 2 (NS2). Identifiers: Orphanet 648, MedGen C1854469, MONDO:0011531, OMIM 605275.
Hereditary cancer-predisposing syndrome. Also called: Neoplastic Syndromes, Hereditary; Tumor predisposition; Hereditary Cancer Syndrome; Hereditary neoplastic syndrome. Identifiers: Orphanet 140162, MedGen C0027672, MeSH D009386, MONDO:0015356.
Cardiovascular phenotype. Identifiers: MedGen CN230736.

Allele frequency attached by ClinVar (database versions not stated): gnomAD exomes below 0.00001.

Submissions (2):

Fulgent Genetics
Classification: Uncertain significance for Noonan syndrome 2; LZTR1-related schwannomatosis; Noonan syndrome 10. Last evaluated: 2023-12-29. Review status: criteria provided, single submitter. Criteria: ACMG Guidelines, 2015. Collection method: clinical testing. Allele origin: germline.

Ambry Genetics
Classification: Uncertain significance for Cardiovascular phenotype; Hereditary cancer-predisposing syndrome. Last evaluated: 2022-10-30. Review status: criteria provided, single submitter. Criteria: Ambry Variant Classification Scheme 2023. Collection method: clinical testing. Allele origin: germline.
Comment: The p.M734R variant (also known as c.2201T>G), located in coding exon 18 of the LZTR1 gene, results from a T to G substitution at nucleotide position 2201. The methionine at codon 734 is replaced by arginine, an amino acid with similar properties. This amino acid position is conserved. In addition, this alteration is predicted to be deleterious by in silico analysis. Since supporting evidence is limited at this time, the clinical significance of this alteration remains unclear.

NM_006767.4(LZTR1):c.2201T>G (p.Met734Arg)

Gene: LZTR1 (leucine zipper like post translational regulator 1; plus strand). Cytogenetic location: 22q11.21.
Variant type: single nucleotide variant.
Coding change: c.2201T>G on transcript NM_006767.4 (MANE Select); coding-DNA position 2201, T replaced by G.
Protein change: p.Met734Arg; replaces methionine 734 with arginine.
Molecular consequence: missense variant.
Genome position (GRCh38, 1-based): chr22:20,996,094, T>G. VCF-style: chr22-20996094-T-G. GRCh37 (hg19) VCF-style: chr22-21350383-T-G.
Other names: short protein forms M734R.
Identifiers: ClinVar variation 1787643 (VCV001787643.3), dbSNP rs2518624734, ClinGen allele CA410780021.